The following is an entry in ClinVar:

ClinVar aggregate classification (germline): Uncertain significance (1 of 4 stars; one submission).

Conditions:
Primary dilated cardiomyopathy (DCM). Also called: Dilated Cardiomyopathy. Identifiers: Orphanet 217604, MedGen C0007193, MeSH D002311, MONDO:0005021, HP:0001644. Inheritance: Various modes of inheritance.

Allele frequency attached by ClinVar (database versions not stated): gnomAD exomes 0.00001.
gnomAD v4.1: 18 of 1,612,674 alleles (0.0011%); highest among the groups gnomAD compares: Non-Finnish European, 0.0015%; no homozygotes.

Submission:

Labcorp Genetics (formerly Invitae), Labcorp
Classification: Uncertain significance for Primary dilated cardiomyopathy. Last evaluated: 2025-03-03. Review status: criteria provided, single submitter. Criteria: Invitae Variant Classification Sherloc (09022015). Collection method: clinical testing. Allele origin: germline.
Comment: This sequence change falls in intron 8 of the TXNRD2 gene. It does not directly change the encoded amino acid sequence of the TXNRD2 protein. It affects a nucleotide within the consensus splice site. This variant is not present in population databases (gnomAD no frequency). This variant has not been reported in the literature in individuals affected with TXNRD2-related conditions. ClinVar contains an entry for this variant (Variation ID: 407092). Variants that disrupt the consensus splice site are a relatively common cause of aberrant splicing (PMID: 17576681, 9536098). Algorithms developed to predict the effect of sequence changes on RNA splicing suggest that this variant is not likely to affect RNA splicing. In summary, the available evidence is currently insufficient to determine the role of this variant in disease. Therefore, it has been classified as a Variant of Uncertain Significance.

Literature cited by the submitters: PubMed 17576681; PubMed 9536098.

NM_006440.5(TXNRD2):c.662+6G>A

Gene: TXNRD2 (thioredoxin reductase 2; minus strand). Cytogenetic location: 22q11.21.
Variant type: single nucleotide variant.
Coding change: c.662+6G>A on transcript NM_006440.5 (MANE Select); 6 bases into the intron after coding-DNA position 662, G replaced by A.
Molecular consequence: intron variant.
Genome position (GRCh38, 1-based): chr22:19,911,371, C>T on the plus strand (G>A on the coding strand, the complement: TXNRD2 is on the minus strand). VCF-style: chr22-19911371-C-T. GRCh37 (hg19) VCF-style: chr22-19898894-C-T.
Other names: c.659+6G>A (NM_001352300.2); c.374+6G>A (NM_001352302.2); c.572+6G>A (NM_001352301.2); c.662+6G>A (NM_001282512.3); c.566+6G>A (NM_001352303.2).
Identifiers: ClinVar variation 407092 (VCV000407092.9), dbSNP rs887858049, ClinGen allele CA16616555.